The following is an entry in ClinVar:

ClinVar aggregate classification (germline): Uncertain significance (1 of 4 stars; one submission).

Allele frequency attached by ClinVar (database versions not stated): TOPMed 0.00001; gnomAD 0.00001.
gnomAD v4.1: 2 of 1,612,946 alleles (0.00012%); highest among the groups gnomAD compares: African/African-American, 0.0027%; no homozygotes.

Submission:

Labcorp Genetics (formerly Invitae), Labcorp
Classification: Uncertain significance. Last evaluated: 2026-01-25. Review status: criteria provided, single submitter. Criteria: Invitae Variant Classification Sherloc (09022015). Collection method: clinical testing. Allele origin: germline.
Comment: This sequence change replaces glycine, which is neutral and non-polar, with aspartic acid, which is acidic and polar, at codon 148 of the SNRPB protein (p.Gly148Asp). This variant is not present in population databases (gnomAD no frequency). This variant has not been reported in the literature in individuals affected with SNRPB-related conditions. ClinVar contains an entry for this variant (Variation ID: 1375950). An algorithm developed to predict the effect of missense changes on protein structure and function (PolyPhen-2) suggests that this variant is likely to be disruptive. In summary, the available evidence is currently insufficient to determine the role of this variant in disease. Therefore, it has been classified as a Variant of Uncertain Significance.

NM_003091.4(SNRPB):c.443G>A (p.Gly148Asp)

Gene: SNRPB (small nuclear ribonucleoprotein polypeptides B and B1; minus strand). Cytogenetic location: 20p13.
Variant type: single nucleotide variant.
Coding change: c.443G>A on transcript NM_003091.4 (MANE Select); coding-DNA position 443, G replaced by A.
Protein change: p.Gly148Asp; replaces glycine 148 with aspartic acid.
Molecular consequence: missense variant.
Genome position (GRCh38, 1-based): chr20:2,463,205, C>T on the plus strand (G>A on the coding strand, the complement: SNRPB is on the minus strand). VCF-style: chr20-2463205-C-T. GRCh37 (hg19) VCF-style: chr20-2443851-C-T.
Other names: c.443G>A, p.Gly148Asp (NM_198216.2); short protein forms G148D.
Identifiers: ClinVar variation 1375950 (VCV001375950.6), dbSNP rs1282223596, ClinGen allele CA408014169.